The following is an entry in ClinVar:

NM_001312909.2(FAM111A):c.1478G>A (p.Arg493Gln)

Gene: FAM111A (FAM111 trypsin like peptidase A; plus strand). Cytogenetic location: 11q12.1.
Variant type: single nucleotide variant.
Coding change: c.1478G>A on transcript NM_001312909.2 (MANE Select); coding-DNA position 1478, G replaced by A.
Protein change: p.Arg493Gln; replaces arginine 493 with glutamine.
Molecular consequence: missense variant.
Genome position (GRCh38, 1-based): chr11:59,153,146, G>A. VCF-style: chr11-59153146-G-A. GRCh37 (hg19) VCF-style: chr11-58920619-G-A.
Other names: c.1478G>A, p.Arg493Gln (NM_001374867.1, NM_001374868.1, NM_001374869.1 and 29 more transcripts); c.1478G>A (NM_001142520.1); short protein forms R493Q.
Identifiers: ClinVar variation 3702675 (VCV003702675.3).
Genomic context (GRCh38, chr11:59,153,146, plus strand): 5'-GCCATCCATATGGAGAAAAAAAGCAGATTGATGCTTGTGCTGTGATCCCTCAGGGTCAGC[G>A]AGCAAAGAAATGTCAGGAACGTGTTCAGTCTAAAAAAGCAGAAAGTCCAGAGTATGTCCA-3'
Protein context (NP_001299838.1, residues 483-503): DACAVIPQGQ[Arg493Gln]AKKCQERVQS

ClinVar aggregate classification (germline): Conflicting classifications of pathogenicity. Review status: criteria provided, conflicting classifications (1 of 4 stars). 2 submissions from 2 submitters: Uncertain significance (1); Likely benign (1). Last evaluated 2025-08-04.

Conditions:
Inborn genetic diseases. Identifiers: MedGen C0950123, MeSH D030342.

gnomAD v4.1: 76 of 1,614,196 alleles (0.0047%); highest among the groups gnomAD compares: Middle Eastern, 0.13%; 1 homozygote.

Submissions (2):

Ambry Genetics
Classification: Likely benign for Inborn genetic diseases. Last evaluated: 2025-08-04. Review status: criteria provided, single submitter. Criteria: Ambry Variant Classification Scheme 2023. Collection method: clinical testing. Allele origin: germline.

Labcorp Genetics (formerly Invitae), Labcorp
Classification: Uncertain significance. Last evaluated: 2024-08-29. Review status: criteria provided, single submitter. Criteria: Invitae Variant Classification Sherloc (09022015). Collection method: clinical testing. Allele origin: germline.
Comment: This sequence change replaces arginine, which is basic and polar, with glutamine, which is neutral and polar, at codon 493 of the FAM111A protein (p.Arg493Gln). This variant is present in population databases (rs764535228, gnomAD 0.008%). This variant has not been reported in the literature in individuals affected with FAM111A-related conditions. Invitae Evidence Modeling of protein sequence and biophysical properties (such as structural, functional, and spatial information, amino acid conservation, physicochemical variation, residue mobility, and thermodynamic stability) indicates that this missense variant is not expected to disrupt FAM111A protein function with a negative predictive value of 80%. In summary, the available evidence is currently insufficient to determine the role of this variant in disease. Therefore, it has been classified as a Variant of Uncertain Significance.